The following is an entry in ClinVar:

ClinVar aggregate classification (germline): Uncertain significance. Review status: criteria provided, multiple submitters, no conflicts (2 of 4 stars). 2 submissions from 2 submitters: Uncertain significance (2). Last evaluated 2025-12-03.

Conditions:
Developmental and epileptic encephalopathy, 25 (DEE25). Also called: Epileptic encephalopathy, early infantile, 25; Developmental and epileptic encephalopathy 25, with amelogenesis imperfecta; Epileptic encephalopathy, early infantile, 25, with amelogenesis imperfecta. Identifiers: Orphanet 442835, MedGen C4014621, MONDO:0014392, OMIM 615905.

Submissions (2):

3billion
Classification: Uncertain significance for Developmental and epileptic encephalopathy, 25. Last evaluated: 2025-12-03. Review status: criteria provided, single submitter. Criteria: ACMG Guidelines, 2015. Collection method: clinical testing. Allele origin: germline. Affected: yes.
Comment: The variant is observed at an extremely low frequency in the gnomAD v4.1.0 dataset (total allele frequency: <0.001%). Predicted Consequence/Location: Missense variant. The majority of the known disease-causing variants of this gene are variants expected to result in premature termination of the protein. In silico tool predictions suggest damaging effect of the variant on gene or gene product [REVEL: 0.61 (>=0.6, sensitivity 0.68 and specificity 0.92)]. The variant has been reported as of uncertain significance (ClinVar ID: VCV003647418). Therefore, this variant is classified as VUS according to the recommendation of ACMG/AMP guideline.

Labcorp Genetics (formerly Invitae), Labcorp
Classification: Uncertain significance for Developmental and epileptic encephalopathy, 25. Last evaluated: 2024-03-24. Review status: criteria provided, single submitter. Criteria: Invitae Variant Classification Sherloc (09022015). Collection method: clinical testing. Allele origin: germline.
Comment: This sequence change replaces methionine, which is neutral and non-polar, with arginine, which is basic and polar, at codon 125 of the SLC13A5 protein (p.Met125Arg). This variant is not present in population databases (gnomAD no frequency). This variant has not been reported in the literature in individuals affected with SLC13A5-related conditions. Advanced modeling of protein sequence and biophysical properties (such as structural, functional, and spatial information, amino acid conservation, physicochemical variation, residue mobility, and thermodynamic stability) performed at Invitae indicates that this missense variant is expected to disrupt SLC13A5 protein function with a positive predictive value of 80%. In summary, the available evidence is currently insufficient to determine the role of this variant in disease. Therefore, it has been classified as a Variant of Uncertain Significance.

NM_177550.5(SLC13A5):c.374T>G (p.Met125Arg)

Gene: SLC13A5 (solute carrier family 13 member 5; minus strand). Cytogenetic location: 17p13.1.
Variant type: single nucleotide variant.
Coding change: c.374T>G on transcript NM_177550.5 (MANE Select); coding-DNA position 374, T replaced by G.
Protein change: p.Met125Arg; replaces methionine 125 with arginine.
Molecular consequence: missense variant. On other transcripts: intron variant (1).
Genome position (GRCh38, 1-based): chr17:6,704,051, A>C on the plus strand (T>G on the coding strand, the complement: SLC13A5 is on the minus strand). VCF-style: chr17-6704051-A-C. GRCh37 (hg19) VCF-style: chr17-6607370-A-C.
Other names: c.374T>G, p.Met125Arg (NM_001143838.3); c.245T>G, p.Met82Arg (NM_001284510.2); c.369-46T>G (NM_001284509.2); short protein forms M125R, M82R.
Identifiers: ClinVar variation 3647418 (VCV003647418.3).